The following is an entry in ClinVar:

NM_005477.3(HCN4):c.1050C>G (p.Ile350Met)

Genes: HCN4 (hyperpolarization activated cyclic nucleotide gated potassium channel 4; minus strand), LOC105370890 (uncharacterized LOC105370890; plus strand), LOC126862173 (CDK7 strongly-dependent group 2 enhancer GRCh37_chr15:73635762-73636961; plus strand). Cytogenetic location: 15q24.1.
Variant type: single nucleotide variant.
Coding change: c.1050C>G on transcript NM_005477.3 (MANE Select); coding-DNA position 1050, C replaced by G.
Protein change: p.Ile350Met; replaces isoleucine 350 with methionine.
Molecular consequence: missense variant. On other transcripts: non-coding transcript variant (1).
Genome position (GRCh38, 1-based): chr15:73,343,544, G>C on the plus strand (C>G on the coding strand, the complement: HCN4 is on the minus strand). VCF-style: chr15-73343544-G-C. GRCh37 (hg19) VCF-style: chr15-73635885-G-C.
Other names: short protein forms I350M.
Identifiers: ClinVar variation 4745495 (VCV004745495.1).

ClinVar aggregate classification (germline): Uncertain significance (1 of 4 stars; one submission).

Conditions:
Brugada syndrome 8 (BRGDA8). Identifiers: Orphanet 130, MedGen C2751083, MONDO:0013148, OMIM 613123.

gnomAD v4.1: 1 of 1,614,096 alleles (0.000062%); highest among the groups gnomAD compares: African/African-American, 0.0013%; no homozygotes.

Submission:

Labcorp Genetics (formerly Invitae), Labcorp
Classification: Uncertain significance for Brugada syndrome 8. Last evaluated: 2025-08-11. Review status: criteria provided, single submitter. Criteria: Invitae Variant Classification Sherloc (09022015). Collection method: clinical testing. Allele origin: germline.
Comment: This sequence change replaces isoleucine, which is neutral and non-polar, with methionine, which is neutral and non-polar, at codon 350 of the HCN4 protein (p.Ile350Met). This variant is not present in population databases (gnomAD no frequency). This variant has not been reported in the literature in individuals affected with HCN4-related conditions. Invitae Evidence Modeling of protein sequence and biophysical properties (such as structural, functional, and spatial information, amino acid conservation, physicochemical variation, residue mobility, and thermodynamic stability) indicates that this missense variant is expected to disrupt HCN4 protein function with a positive predictive value of 95%. In summary, the available evidence is currently insufficient to determine the role of this variant in disease. Therefore, it has been classified as a Variant of Uncertain Significance.